The following is an entry in ClinVar:

ClinVar aggregate classification (germline): Pathogenic (1 of 4 stars; one submission).

Conditions:
Tyrosinemia type I (TYRSN1). Also called: Tyrosinemia type 1; Fumarylacetoacetase deficiency; Deficiency of fumarylacetoacetase; HEPATORENAL TYROSINEMIA; FAH DEFICIENCY. Identifiers: Orphanet 882, MedGen C0268490, MONDO:0010161, OMIM 276700. Disease mechanism: loss of function.

Submission:

Labcorp Genetics (formerly Invitae), Labcorp
Classification: Pathogenic for Tyrosinemia type I. Last evaluated: 2023-01-13. Review status: criteria provided, single submitter. Criteria: Invitae Variant Classification Sherloc (09022015). Collection method: clinical testing. Allele origin: unknown.
Comment: For these reasons, this variant has been classified as Pathogenic. This variant disrupts a region of the FAH protein in which other variant(s) (p.His133Leu) have been determined to be pathogenic (PMID: 21752152). This suggests that this is a clinically significant region of the protein, and that variants that disrupt it are likely to be disease-causing. This variant has not been reported in the literature in individuals affected with FAH-related conditions. This variant is a gross deletion of the genomic region encompassing exon(s) 3-7 of the FAH gene. This variant would be expected to be in-frame, preserving the integrity of the reading frame.

Literature cited by the submitters: PubMed 21752152.

NC_000015.9:g.(?_80452078)_(80460678_?)del

Gene: FAH (fumarylacetoacetate hydrolase; plus strand). Cytogenetic location: 15q25.1.
Variant type: Deletion.
Identifiers: ClinVar variation 3243757 (VCV003243757.1).